The following is an entry in ClinVar:

NM_001807.6(CEL):c.630C>T (p.Leu210=)

Gene: CEL (carboxyl ester lipase; plus strand). Cytogenetic location: 9q34.13.
Variant type: single nucleotide variant.
Coding change: c.630C>T on transcript NM_001807.6 (MANE Select); coding-DNA position 630, C replaced by T.
Protein change: p.Leu210=; no amino-acid change (leucine 210 retained).
Molecular consequence: synonymous variant.
Genome position (GRCh38, 1-based): chr9:133,066,621, C>T. VCF-style: chr9-133066621-C-T. GRCh37 (hg19) VCF-style: chr9-135942008-C-T.
Identifiers: ClinVar variation 4821670 (VCV004821670.4).

ClinVar aggregate classification (germline): Likely benign (1 of 4 stars; one submission).

gnomAD v4.1: 88 of 1,613,818 alleles (0.0055%); highest among the groups gnomAD compares: Middle Eastern, 0.05%; no homozygotes.

Submission:

CeGaT Center for Human Genetics Tuebingen
Classification: Likely benign. Last evaluated: 2026-02-01. Review status: criteria provided, single submitter. Criteria: CeGaT Center For Human Genetics Tuebingen Variant Classification Criteria Version 2. Collection method: clinical testing. Allele origin: germline. Affected: yes. Observed: 1 variant allele.
Comment: CEL: BP4